The following is an entry in ClinVar:

ClinVar aggregate classification (germline): Uncertain significance (1 of 4 stars; one submission).

Conditions:
Perlman syndrome (PRLMNS). Identifiers: Orphanet 2849, MedGen C0796113, MONDO:0009965, OMIM 267000.

Allele frequency attached by ClinVar (database versions not stated): ExAC 0.00001; gnomAD exomes 0.00001.
gnomAD v4.1: 12 of 1,614,160 alleles (0.00074%); highest among the groups gnomAD compares: South Asian, 0.0011%; no homozygotes.

Submission:

Labcorp Genetics (formerly Invitae), Labcorp
Classification: Uncertain significance for Perlman syndrome. Last evaluated: 2024-04-05. Review status: criteria provided, single submitter. Criteria: Invitae Variant Classification Sherloc (09022015). Collection method: clinical testing. Allele origin: germline.
Comment: This sequence change replaces aspartic acid, which is acidic and polar, with asparagine, which is neutral and polar, at codon 460 of the DIS3L2 protein (p.Asp460Asn). This variant is present in population databases (rs776359062, gnomAD 0.0009%). This variant has not been reported in the literature in individuals affected with DIS3L2-related conditions. ClinVar contains an entry for this variant (Variation ID: 410752). Advanced modeling of protein sequence and biophysical properties (such as structural, functional, and spatial information, amino acid conservation, physicochemical variation, residue mobility, and thermodynamic stability) performed at Invitae indicates that this missense variant is not expected to disrupt DIS3L2 protein function with a negative predictive value of 80%. In summary, the available evidence is currently insufficient to determine the role of this variant in disease. Therefore, it has been classified as a Variant of Uncertain Significance.

NM_152383.5(DIS3L2):c.1378G>A (p.Asp460Asn)

Gene: DIS3L2 (DIS3 like 3'-5' exoribonuclease 2; plus strand). Cytogenetic location: 2q37.1.
Variant type: single nucleotide variant.
Coding change: c.1378G>A on transcript NM_152383.5 (MANE Select); coding-DNA position 1378, G replaced by A.
Protein change: p.Asp460Asn; replaces aspartic acid 460 with asparagine.
Molecular consequence: missense variant. On other transcripts: non-coding transcript variant (2).
Genome position (GRCh38, 1-based): chr2:232,249,299, G>A. VCF-style: chr2-232249299-G-A. GRCh37 (hg19) VCF-style: chr2-233114009-G-A.
Other names: c.1378G>A, p.Asp460Asn (NM_001257281.2); short protein forms D460N.
Identifiers: ClinVar variation 410752 (VCV000410752.9), dbSNP rs776359062, ClinGen allele CA2164129.